The following is an entry in ClinVar:

ClinVar aggregate classification (germline): Uncertain significance. Review status: criteria provided, multiple submitters, no conflicts (2 of 4 stars). 2 submissions from 2 submitters: Uncertain significance (2). Last evaluated 2025-03-31.

Conditions:
Inborn genetic diseases. Identifiers: MedGen C0950123, MeSH D030342.
Fanconi anemia (FA). Also called: Fanconi's anemia. Identifiers: Orphanet 84, MedGen C0015625, MeSH D005199, MONDO:0019391.

Allele frequency attached by ClinVar (database versions not stated): TOPMed below 0.00001.

Submissions (2):

Ambry Genetics
Classification: Uncertain significance for Inborn genetic diseases. Last evaluated: 2025-03-31. Review status: criteria provided, single submitter. Criteria: Ambry Variant Classification Scheme 2023. Collection method: clinical testing. Allele origin: germline.
Comment: The p.H742R variant (also known as c.2225A>G), located in coding exon 13 of the FANCM gene, results from an A to G substitution at nucleotide position 2225. The histidine at codon 742 is replaced by arginine, an amino acid with highly similar properties. This amino acid position is conserved. In addition, this alteration is predicted to be tolerated by in silico analysis. Based on the available evidence, the clinical significance of this variant remains unclear.

Labcorp Genetics (formerly Invitae), Labcorp
Classification: Uncertain significance for Fanconi anemia. Last evaluated: 2022-02-21. Review status: criteria provided, single submitter. Criteria: Invitae Variant Classification Sherloc (09022015). Collection method: clinical testing. Allele origin: germline.
Comment: This sequence change replaces histidine, which is basic and polar, with arginine, which is basic and polar, at codon 742 of the FANCM protein (p.His742Arg). This variant is not present in population databases (gnomAD no frequency). This variant has not been reported in the literature in individuals affected with FANCM-related conditions. Algorithms developed to predict the effect of missense changes on protein structure and function output the following: SIFT: "Tolerated"; PolyPhen-2: "Benign"; Align-GVGD: "Class C0". The arginine amino acid residue is found in multiple mammalian species, which suggests that this missense change does not adversely affect protein function. In summary, the available evidence is currently insufficient to determine the role of this variant in disease. Therefore, it has been classified as a Variant of Uncertain Significance.

NM_020937.4(FANCM):c.2225A>G (p.His742Arg)

Gene: FANCM (FA complementation group M; plus strand). Cytogenetic location: 14q21.2.
Variant type: single nucleotide variant.
Coding change: c.2225A>G on transcript NM_020937.4 (MANE Select); coding-DNA position 2225, A replaced by G.
Protein change: p.His742Arg; replaces histidine 742 with arginine.
Molecular consequence: missense variant.
Genome position (GRCh38, 1-based): chr14:45,173,119, A>G. VCF-style: chr14-45173119-A-G. GRCh37 (hg19) VCF-style: chr14-45642322-A-G.
Other names: c.2147A>G, p.His716Arg (NM_001308133.2); short protein forms H716R, H742R.
Identifiers: ClinVar variation 2037809 (VCV002037809.5), dbSNP rs1888444813, ClinGen allele CA389596725.